The following is an entry in ClinVar:

NM_007254.4(PNKP):c.1188+12C>T

Gene: PNKP (polynucleotide kinase 3'-phosphatase; minus strand). Cytogenetic location: 19q13.33.
Variant type: single nucleotide variant.
Coding change: c.1188+12C>T on transcript NM_007254.4 (MANE Select); 12 bases into the intron after coding-DNA position 1188, C replaced by T.
Molecular consequence: intron variant.
Genome position (GRCh38, 1-based): chr19:49,862,032, G>A on the plus strand (C>T on the coding strand, the complement: PNKP is on the minus strand). VCF-style: chr19-49862032-G-A. GRCh37 (hg19) VCF-style: chr19-50365289-G-A.
Identifiers: ClinVar variation 513661 (VCV000513661.10), dbSNP rs780736753, ClinGen allele CA9586556.

ClinVar aggregate classification (germline): Likely benign. Review status: criteria provided, multiple submitters, no conflicts (2 of 4 stars). 3 submissions from 3 submitters: Likely benign (3). Last evaluated 2025-01-06.

Conditions:
Developmental and epileptic encephalopathy, 12 (DEE12). Identifiers: MedGen C3150988, MONDO:0013389, OMIM 613722.

Allele frequency attached by ClinVar (database versions not stated): ExAC 0.00001; gnomAD 0.00002; gnomAD exomes 0.00003 and 0.00004; TOPMed 0.00004.
gnomAD v4.1: 60 of 1,613,762 alleles (0.0037%); highest among the groups gnomAD compares: Non-Finnish European, 0.0046%; no homozygotes.

Submissions (3):

Labcorp Genetics (formerly Invitae), Labcorp
Classification: Likely benign for Developmental and epileptic encephalopathy, 12. Last evaluated: 2025-01-06. Review status: criteria provided, single submitter. Criteria: Invitae Variant Classification Sherloc (09022015). Collection method: clinical testing. Allele origin: germline.

Blueprint Genetics
Classification: Likely benign. Last evaluated: 2024-01-18. Review status: criteria provided, single submitter. Criteria: ACMG Guidelines, 2015. Collection method: clinical testing. Allele origin: germline.

GeneDx
Classification: Likely benign. Last evaluated: 2017-11-27. Review status: criteria provided, single submitter. Criteria: GeneDx Variant Classification (06012015). Collection method: clinical testing. Allele origin: germline. Affected: yes.
Comment: This variant is considered likely benign or benign based on one or more of the following criteria: it is a conservative change, it occurs at a poorly conserved position in the protein, it is predicted to be benign by multiple in silico algorithms, and/or has population frequency not consistent with disease.